The following is an entry in ClinVar:

ClinVar aggregate classification (germline): Likely benign. Review status: criteria provided, single submitter (1 of 4 stars). 2 submissions from 2 submitters: Likely benign (1). 1 of the submissions does not count toward it. Last evaluated 2026-08-01.

Conditions:
CDK8-related disorder. Also called: CDK8-related condition.

Allele frequency attached by ClinVar (database versions not stated): gnomAD exomes 0.00056; ExAC 0.00184; 1000 Genomes Project 0.00399; 1000 Genomes Project 30x 0.00406; gnomAD 0.00413; ESP Exome Variant Server 0.00554.
gnomAD v4.1: 1,462 of 1,611,970 alleles (0.091%); highest among the groups gnomAD compares: African/African-American, 1.3%; 6 homozygotes.

Submissions (2):

CeGaT Center for Human Genetics Tuebingen
Classification: Likely benign. Last evaluated: 2026-08-01. Review status: criteria provided, single submitter. Criteria: CeGaT Center For Human Genetics Tuebingen Variant Classification Criteria Version 2. Collection method: clinical testing. Allele origin: germline. Affected: yes. Observed: 5 variant alleles.
Comment: CDK8: BP4, BS1

PreventionGenetics, part of Exact Sciences
Classification: Benign for CDK8-related condition. Last evaluated: 2019-09-19. Review status: no assertion criteria provided. Collection method: clinical testing. Allele origin: germline. Not counted in ClinVar's aggregate classification.
Comment: This variant is classified as benign based on ACMG/AMP sequence variant interpretation guidelines (Richards et al. 2015 PMID: 25741868, with internal and published modifications).

NM_001260.3(CDK8):c.705C>T (p.His235=)

Gene: CDK8 (cyclin dependent kinase 8; plus strand). Cytogenetic location: 13q12.13.
Variant type: single nucleotide variant.
Coding change: c.705C>T on transcript NM_001260.3 (MANE Select); coding-DNA position 705, C replaced by T.
Protein change: p.His235=; no amino-acid change (histidine 235 retained).
Molecular consequence: synonymous variant.
Genome position (GRCh38, 1-based): chr13:26,393,425, C>T. VCF-style: chr13-26393425-C-T. GRCh37 (hg19) VCF-style: chr13-26967562-C-T.
Other names: c.705C>T, p.His235= (NM_001318368.2); c.186C>T, p.His62= (NM_001346501.2); c.705C>T (NM_001260.2).
Identifiers: ClinVar variation 3025053 (VCV003025053.23), dbSNP rs17083996, ClinGen allele CA6924525.